The following is an entry in ClinVar:

NM_001375808.2(LPIN2):c.1456+170A>G

Gene: LPIN2 (lipin 2; minus strand). Cytogenetic location: 18p11.31.
Variant type: single nucleotide variant.
Coding change: c.1456+170A>G on transcript NM_001375808.2 (MANE Select); 170 bases into the intron after coding-DNA position 1456, A replaced by G.
Molecular consequence: intron variant.
Genome position (GRCh38, 1-based): chr18:2,931,086, T>C on the plus strand (A>G on the coding strand, the complement: LPIN2 is on the minus strand). VCF-style: chr18-2931086-T-C. GRCh37 (hg19) VCF-style: chr18-2931084-T-C.
Other names: c.1456+170A>G (NM_014646.2, NM_001375809.1).
Identifiers: ClinVar variation 676926 (VCV000676926.1), dbSNP rs79206481, ClinGen allele CA14612223.

ClinVar aggregate classification (germline): Likely benign (1 of 4 stars; one submission).

Allele frequency attached by ClinVar (database versions not stated): gnomAD 0.01047 and 0.01120; TOPMed 0.01169; 1000 Genomes Project 0.01318; 1000 Genomes Project 30x 0.01359.
gnomAD v4.1: 1,583 of 152,240 alleles (1%); highest among the groups gnomAD compares: African/African-American, 3.6%; 34 homozygotes.

Submission:

GeneDx
Classification: Likely benign. Last evaluated: 2018-06-16. Review status: criteria provided, single submitter. Criteria: GeneDx Variant Classification (06012015). Collection method: clinical testing. Allele origin: germline. Affected: yes.
Comment: This variant is considered likely benign or benign based on one or more of the following criteria: it is a conservative change, it occurs at a poorly conserved position in the protein, it is predicted to be benign by multiple in silico algorithms, and/or has population frequency not consistent with disease.